The following is an entry in ClinVar:

NM_020822.3(KCNT1):c.2235C>T (p.Ser745=)

Gene: KCNT1 (potassium sodium-activated channel subfamily T member 1; plus strand). Cytogenetic location: 9q34.3.
Variant type: single nucleotide variant.
Coding change: c.2235C>T on transcript NM_020822.3 (MANE Select); coding-DNA position 2235, C replaced by T.
Protein change: p.Ser745=; no amino-acid change (serine 745 retained).
Molecular consequence: synonymous variant.
Genome position (GRCh38, 1-based): chr9:135,772,941, C>T. VCF-style: chr9-135772941-C-T. GRCh37 (hg19) VCF-style: chr9-138664787-C-T.
Other names: c.2100C>T, p.Ser700= (NM_001272003.2).
Identifiers: ClinVar variation 194980 (VCV000194980.57), dbSNP rs146810749, ClinGen allele CA201476.

ClinVar aggregate classification (germline): Benign/Likely benign. Review status: criteria provided, multiple submitters, no conflicts (2 of 4 stars). 12 submissions from 11 submitters: Benign (6); Likely benign (4). 2 of the submissions do not count toward it. Last evaluated 2026-07-01.

Conditions:
Inborn genetic diseases. Identifiers: MedGen C0950123, MeSH D030342.
Autosomal dominant nocturnal frontal lobe epilepsy 5. Also called: KCNT1-Related Epilepsy; CILIARY DYSKINESIA, PRIMARY, 28, WITHOUT SITUS INVERSUS; CILIARY DYSKINESIA, PRIMARY, 28, WITH SITUS INVERSUS; Epilepsy, nocturnal frontal lobe, 5. Identifiers: Orphanet 98784, MedGen C3554306, MONDO:0014002, OMIM 615005.
Developmental and epileptic encephalopathy, 14 (DEE14). Also called: Early infantile epileptic encephalopathy 14. Identifiers: Orphanet 293181, MedGen C3554195, MONDO:0013989, OMIM 614959.

Allele frequency attached by ClinVar (database versions not stated): 1000 Genomes Project 30x 0.00125; 1000 Genomes Project 0.00160; gnomAD 0.00215 and 0.00228; TOPMed 0.00228; ESP Exome Variant Server 0.00248; gnomAD exomes 0.00302 and 0.00361; ExAC 0.00709.

Submissions (12):

CeGaT Center for Human Genetics Tuebingen
Classification: Likely benign. Last evaluated: 2026-07-01. Review status: criteria provided, single submitter. Criteria: CeGaT Center For Human Genetics Tuebingen Variant Classification Criteria Version 2. Collection method: clinical testing. Allele origin: germline. Affected: yes. Observed: 34 variant alleles.
Comment: KCNT1: BP4, BP7

Labcorp Genetics (formerly Invitae), Labcorp
Classification: Benign for Autosomal dominant nocturnal frontal lobe epilepsy 5; Developmental and epileptic encephalopathy, 14. Last evaluated: 2026-02-01. Review status: criteria provided, single submitter. Criteria: Invitae Variant Classification Sherloc (09022015). Collection method: clinical testing. Allele origin: germline.

Blueprint Genetics
Classification: Likely benign. Last evaluated: 2024-11-27. Review status: criteria provided, single submitter. Criteria: ACMG Guidelines, 2015. Collection method: clinical testing. Allele origin: germline.

Genome-Nilou Lab
Classification: Benign for Developmental and epileptic encephalopathy, 14. Last evaluated: 2022-03-15. Review status: criteria provided, single submitter. Criteria: ACMG Guidelines, 2015. Collection method: clinical testing. Allele origin: germline. Affected: no.

Genome-Nilou Lab
Classification: Benign for Autosomal dominant nocturnal frontal lobe epilepsy 5. Last evaluated: 2022-03-15. Review status: criteria provided, single submitter. Criteria: ACMG Guidelines, 2015. Collection method: clinical testing. Allele origin: germline. Affected: no.

Athena Diagnostics
Classification: Benign. Last evaluated: 2019-10-02. Review status: criteria provided, single submitter. Criteria: Athena Diagnostics Criteria. Collection method: clinical testing. Allele origin: unknown.

GeneDx
Classification: Benign. Last evaluated: 2016-08-22. Review status: criteria provided, single submitter. Criteria: GeneDx Variant Classification (06012015). Collection method: clinical testing. Allele origin: germline. Affected: yes.
Comment: This variant is considered likely benign or benign based on one or more of the following criteria: it is a conservative change, it occurs at a poorly conserved position in the protein, it is predicted to be benign by multiple in silico algorithms, and/or has population frequency not consistent with disease.

Ambry Genetics
Classification: Benign for Inborn genetic diseases. Last evaluated: 2016-06-11. Review status: criteria provided, single submitter. Criteria: Ambry Variant Classification Scheme 2023. Collection method: clinical testing. Allele origin: germline.

Eurofins Ntd Llc (ga)
Classification: Likely benign. Last evaluated: 2014-07-15. Review status: criteria provided, single submitter. Criteria: EGL Classification Definitions 2015. Collection method: clinical testing. Allele origin: germline. Observed: 1 variant allele, 1 heterozygote.

Breakthrough Genomics
Classification: Likely benign. Review status: criteria provided, single submitter. Criteria: ACMG Guidelines, 2015. Collection method: not provided. Allele origin: germline. Inheritance: Autosomal dominant inheritance. Affected: yes.

Diagnostic Laboratory, Department of Genetics, University Medical Center Groningen
Classification: Benign. Review status: no assertion criteria provided. Collection method: clinical testing. Allele origin: germline. Affected: yes. Study: VKGL Data-share Consensus. Not counted in ClinVar's aggregate classification.

Genome Diagnostics Laboratory, University Medical Center Utrecht
Classification: Likely benign. Review status: no assertion criteria provided. Collection method: clinical testing. Allele origin: germline. Affected: yes. Study: VKGL Data-share Consensus. Not counted in ClinVar's aggregate classification.